The following is an entry in ClinVar:

ClinVar aggregate classification (germline): Uncertain significance (1 of 4 stars; one submission).

Allele frequency attached by ClinVar (database versions not stated): gnomAD exomes 0.00001 and 0.00002; ExAC 0.00002.
gnomAD v4.1: 11 of 1,601,972 alleles (0.00069%); highest among the groups gnomAD compares: Admixed American, 0.0068%; no homozygotes.

Submission:

Labcorp Genetics (formerly Invitae), Labcorp
Classification: Uncertain significance. Last evaluated: 2022-08-31. Review status: criteria provided, single submitter. Criteria: Invitae Variant Classification Sherloc (09022015). Collection method: clinical testing. Allele origin: germline.
Comment: Algorithms developed to predict the effect of sequence changes on RNA splicing suggest that this variant may create or strengthen a splice site. In summary, the available evidence is currently insufficient to determine the role of this variant in disease. Therefore, it has been classified as a Variant of Uncertain Significance. Algorithms developed to predict the effect of missense changes on protein structure and function are either unavailable or do not agree on the potential impact of this missense change (SIFT: "Deleterious"; PolyPhen-2: "Possibly Damaging"; Align-GVGD: "Class C0"). ClinVar contains an entry for this variant (Variation ID: 1365238). This variant has not been reported in the literature in individuals affected with SAMD11-related conditions. This variant is present in population databases (rs754500093, gnomAD 0.01%). This sequence change replaces proline, which is neutral and non-polar, with leucine, which is neutral and non-polar, at codon 260 of the SAMD11 protein (p.Pro260Leu).

NM_001385641.1(SAMD11):c.1268C>T (p.Pro423Leu)

Gene: SAMD11 (sterile alpha motif domain containing 11; plus strand). Cytogenetic location: 1p36.33.
Variant type: single nucleotide variant.
Coding change: c.1268C>T on transcript NM_001385641.1 (MANE Select); coding-DNA position 1268, C replaced by T.
Protein change: p.Pro423Leu; replaces proline 423 with leucine.
Molecular consequence: missense variant.
Genome position (GRCh38, 1-based): chr1:941,216, C>T. VCF-style: chr1-941216-C-T. GRCh37 (hg19) VCF-style: chr1-876596-C-T.
Other names: c.1271C>T, p.Pro424Leu (NM_001385640.1); c.779C>T, p.Pro260Leu (NM_152486.4); short protein forms P423L, P424L, P260L.
Identifiers: ClinVar variation 1365238 (VCV001365238.6), dbSNP rs754500093, ClinGen allele CA502800.
Genomic context (GRCh38, chr1:941,216, plus strand): 5'-TCCGGCAGGAGGTGGCGGCTGCAGCTCTGAGGGGCCCCAGTGGCCTGGAAGCCCACCTGC[C>T]CTCCTCCACGGCAGGTCAGCGTCGGAAGCAGGGCCTGGCTCAGCACCGGGAGGGCGCCGC-3'
Protein context (NP_001372570.1, residues 413-433): RGPSGLEAHL[Pro423Leu]SSTAGQRRKQ